The following is an entry in ClinVar:

NM_006493.4(CLN5):c.947T>C (p.Ile316Thr)

Gene: CLN5 (CLN5 lysosomal BMP synthase; plus strand). Cytogenetic location: 13q22.3.
Variant type: single nucleotide variant.
Coding change: c.947T>C on transcript NM_006493.4 (MANE Select); coding-DNA position 947, T replaced by C.
Protein change: p.Ile316Thr; replaces isoleucine 316 with threonine.
Molecular consequence: missense variant. On other transcripts: 3 prime UTR variant (1).
Genome position (GRCh38, 1-based): chr13:77,000,839, T>C. VCF-style: chr13-77000839-T-C. GRCh37 (hg19) VCF-style: chr13-77574974-T-C.
Other names: c.*396T>C (NM_001366624.2); short protein forms I316T.
Identifiers: ClinVar variation 965268 (VCV000965268.6), dbSNP rs182060681, ClinGen allele CA7007275.

ClinVar aggregate classification (germline): Uncertain significance (1 of 4 stars; one submission).

Conditions:
Neuronal ceroid lipofuscinosis. Also called: Neuronal Ceroid Lipofuscinoses. Identifiers: Orphanet 216, Orphanet 79263, MedGen C0027877, MONDO:0016295. Disease mechanism: loss of function.

Allele frequency attached by ClinVar (database versions not stated): gnomAD exomes 0.00001; gnomAD 0.00002 and 0.00003; ExAC 0.00003; TOPMed 0.00003; ESP Exome Variant Server 0.00008; 1000 Genomes Project 30x 0.00016; 1000 Genomes Project 0.00020.

Submission:

Labcorp Genetics (formerly Invitae), Labcorp
Classification: Uncertain significance for Neuronal ceroid lipofuscinosis. Last evaluated: 2022-07-12. Review status: criteria provided, single submitter. Criteria: Invitae Variant Classification Sherloc (09022015). Collection method: clinical testing. Allele origin: germline.
Comment: This sequence change replaces isoleucine, which is neutral and non-polar, with threonine, which is neutral and polar, at codon 365 of the CLN5 protein (p.Ile365Thr). This variant is present in population databases (rs182060681, gnomAD 0.01%). This variant has not been reported in the literature in individuals affected with CLN5-related conditions. ClinVar contains an entry for this variant (Variation ID: 965268). Algorithms developed to predict the effect of missense changes on protein structure and function are either unavailable or do not agree on the potential impact of this missense change (SIFT: "Deleterious"; PolyPhen-2: "Benign"; Align-GVGD: "Class C0"). In summary, the available evidence is currently insufficient to determine the role of this variant in disease. Therefore, it has been classified as a Variant of Uncertain Significance.